The following is an entry in ClinVar:

NM_012208.4(HARS2):c.1077T>G (p.Ala359=)

Gene: HARS2 (histidyl-tRNA synthetase 2, mitochondrial; plus strand). Cytogenetic location: 5q31.3.
Variant type: single nucleotide variant.
Coding change: c.1077T>G on transcript NM_012208.4 (MANE Select); coding-DNA position 1077, T replaced by G.
Protein change: p.Ala359=; no amino-acid change (alanine 359 retained).
Molecular consequence: synonymous variant.
Genome position (GRCh38, 1-based): chr5:140,697,286, T>G. VCF-style: chr5-140697286-T-G. GRCh37 (hg19) VCF-style: chr5-140076871-T-G.
Other names: c.1002T>G, p.Ala334= (NM_001278731.2); c.645T>G, p.Ala215= (NM_001278732.2); c.1095T>G, p.Ala365= (NM_001363535.2); c.867T>G, p.Ala289= (NM_001363536.2).
Identifiers: ClinVar variation 227424 (VCV000227424.8), dbSNP rs776286420, ClinGen allele CA3444609.
Genomic context (GRCh38, chr5:140,697,286, plus strand): 5'-AGTGCTGCTGCAGACCCCAACTCAGGCTGGGGAGGAGCCCCTGAATGTGGGCAGTGTGGC[T>G]GCTGGTGGGCGCTATGATGGGCTGGTGGGCATGTTTGACCCCAAGGGCCACAAGGTGCCA-3'
Protein context (NP_036340.1, residues 349-369): GEEPLNVGSV[Ala359=]AGGRYDGLVG

ClinVar aggregate classification (germline): Likely benign. Review status: criteria provided, multiple submitters, no conflicts (2 of 4 stars). 3 submissions from 3 submitters: Likely benign (3). Last evaluated 2024-05-24.

Allele frequency attached by ClinVar (database versions not stated): ExAC 0.00001; gnomAD exomes 0.00003 and 0.00005; gnomAD 0.00004; TOPMed 0.00005.

Submissions (3):

Blueprint Genetics
Classification: Likely benign. Last evaluated: 2024-05-24. Review status: criteria provided, single submitter. Criteria: ACMG Guidelines, 2015. Collection method: clinical testing. Allele origin: germline.

GeneDx
Classification: Likely benign. Last evaluated: 2020-01-14. Review status: criteria provided, single submitter. Criteria: GeneDx Variant Classification Process June 2021. Collection method: clinical testing. Allele origin: germline. Affected: yes.

Laboratory for Molecular Medicine, Mass General Brigham Personalized Medicine
Classification: Likely benign. Last evaluated: 2015-07-16. Review status: criteria provided, single submitter. Criteria: LMM Criteria. Collection method: clinical testing. Allele origin: germline. Observed: 1 variant allele.
Comment: p.Ala359Ala in exon 10 of HARS2: This variant is not expected to have clinical s ignificance because it does not alter an amino acid residue and is not located w ithin the splice consensus sequence. It has been identified in 1/66736 European chromosomes by the Exome Aggregation Consortium (ExAC).